The following is an entry in ClinVar:

NM_015331.3(NCSTN):c.734-5C>T

Gene: NCSTN (nicastrin; plus strand). Cytogenetic location: 1q23.2.
Variant type: single nucleotide variant.
Coding change: c.734-5C>T on transcript NM_015331.3 (MANE Select); 5 bases into the intron before coding-DNA position 734, C replaced by T.
Molecular consequence: intron variant.
Genome position (GRCh38, 1-based): chr1:160,351,691, C>T. VCF-style: chr1-160351691-C-T. GRCh37 (hg19) VCF-style: chr1-160321481-C-T.
Other names: c.674-5C>T (NM_001290184.2); c.734-5C>T (NM_001349729.2, NM_015331.2); c.583-1196C>T (NM_001290186.2).
Identifiers: ClinVar variation 1622424 (VCV001622424.11), dbSNP rs150605943, ClinGen allele CA1198809.

ClinVar aggregate classification (germline): Benign/Likely benign. Review status: criteria provided, multiple submitters, no conflicts (2 of 4 stars). 3 submissions from 3 submitters: Benign (1); Likely benign (1). 1 of the submissions does not count toward it. Last evaluated 2026-01-26.

Conditions:
NCSTN-related disorder. Also called: NCSTN-related condition.

Allele frequency attached by ClinVar (database versions not stated): gnomAD exomes 0.00013; ExAC 0.00014; ESP Exome Variant Server 0.00046; 1000 Genomes Project 30x 0.00047; gnomAD 0.00058 and 0.00063; TOPMed 0.00059; 1000 Genomes Project 0.00060.
gnomAD v4.1: 180 of 1,584,482 alleles (0.011%); highest among the groups gnomAD compares: African/African-American, 0.21%; no homozygotes.

Submissions (3):

Labcorp Genetics (formerly Invitae), Labcorp
Classification: Benign. Last evaluated: 2026-01-26. Review status: criteria provided, single submitter. Criteria: Invitae Variant Classification Sherloc (09022015). Collection method: clinical testing. Allele origin: germline.

Blueprint Genetics
Classification: Likely benign. Last evaluated: 2020-11-24. Review status: criteria provided, single submitter. Criteria: ACMG Guidelines, 2015. Collection method: clinical testing. Allele origin: germline.

PreventionGenetics, part of Exact Sciences
Classification: Likely benign for NCSTN-related condition. Last evaluated: 2021-07-12. Review status: no assertion criteria provided. Collection method: clinical testing. Allele origin: germline. Not counted in ClinVar's aggregate classification.
Comment: This variant is classified as likely benign based on ACMG/AMP sequence variant interpretation guidelines (Richards et al. 2015 PMID: 25741868, with internal and published modifications).